The following is an entry in ClinVar:

ClinVar aggregate classification (germline): Uncertain significance (1 of 4 stars; one submission).

Conditions:
Baller-Gerold syndrome (BGS). Also called: CRANIOSYNOSTOSIS WITH RADIAL DEFECTS. Identifiers: Orphanet 1225, MedGen C0265308, MONDO:0009039, OMIM 218600.

Submission:

Labcorp Genetics (formerly Invitae), Labcorp
Classification: Uncertain significance for Baller-Gerold syndrome. Last evaluated: 2024-04-15. Review status: criteria provided, single submitter. Criteria: Invitae Variant Classification Sherloc (09022015). Collection method: clinical testing. Allele origin: germline.
Comment: This sequence change replaces threonine, which is neutral and polar, with serine, which is neutral and polar, at codon 858 of the RECQL4 protein (p.Thr858Ser). This variant is not present in population databases (gnomAD no frequency). This variant has not been reported in the literature in individuals affected with RECQL4-related conditions. ClinVar contains an entry for this variant (Variation ID: 1444899). Advanced modeling of protein sequence and biophysical properties (such as structural, functional, and spatial information, amino acid conservation, physicochemical variation, residue mobility, and thermodynamic stability) performed at Invitae indicates that this missense variant is not expected to disrupt RECQL4 protein function with a negative predictive value of 80%. In summary, the available evidence is currently insufficient to determine the role of this variant in disease. Therefore, it has been classified as a Variant of Uncertain Significance.

NM_004260.4(RECQL4):c.2573C>G (p.Thr858Ser)

Gene: RECQL4 (RecQ like helicase 4; minus strand). Cytogenetic location: 8q24.3.
Variant type: single nucleotide variant.
Coding change: c.2573C>G on transcript NM_004260.4 (MANE Select); coding-DNA position 2573, C replaced by G.
Protein change: p.Thr858Ser; replaces threonine 858 with serine.
Molecular consequence: missense variant.
Genome position (GRCh38, 1-based): chr8:144,513,029, G>C on the plus strand (C>G on the coding strand, the complement: RECQL4 is on the minus strand). VCF-style: chr8-144513029-G-C. GRCh37 (hg19) VCF-style: chr8-145738412-G-C.
Other names: short protein forms T858S.
Identifiers: ClinVar variation 1444899 (VCV001444899.6), dbSNP rs965539808, ClinGen allele CA187681680.